The following is an entry in ClinVar:

ClinVar aggregate classification (germline): Likely benign (0 of 4 stars; one submission).

Conditions:
KRT2-related disorder. Also called: KRT2-related condition.

Allele frequency attached by ClinVar (database versions not stated): gnomAD 0.00007; gnomAD exomes 0.00007; ExAC 0.00009.
gnomAD v4.1: 108 of 1,613,998 alleles (0.0067%); highest among the groups gnomAD compares: Non-Finnish European, 0.0033%; no homozygotes.

Submission:

PreventionGenetics, part of Exact Sciences
Classification: Likely benign for KRT2-related condition. Last evaluated: 2022-02-01. Review status: no assertion criteria provided. Collection method: clinical testing. Allele origin: germline.
Comment: This variant is classified as likely benign based on ACMG/AMP sequence variant interpretation guidelines (Richards et al. 2015 PMID: 25741868, with internal and published modifications).

NM_000423.3(KRT2):c.1274C>G (p.Ala425Gly)

Gene: KRT2 (keratin 2; minus strand). Cytogenetic location: 12q13.13.
Variant type: single nucleotide variant.
Coding change: c.1274C>G on transcript NM_000423.3 (MANE Select); coding-DNA position 1274, C replaced by G.
Protein change: p.Ala425Gly; replaces alanine 425 with glycine.
Molecular consequence: missense variant.
Genome position (GRCh38, 1-based): chr12:52,646,935, G>C on the plus strand (C>G on the coding strand, the complement: KRT2 is on the minus strand). VCF-style: chr12-52646935-G-C. GRCh37 (hg19) VCF-style: chr12-53040719-G-C.
Other names: short protein forms A425G.
Identifiers: ClinVar variation 3057953 (VCV003057953.2), dbSNP rs779620526, ClinGen allele CA6585515.